The following is an entry in ClinVar:

ClinVar aggregate classification (germline): Uncertain significance. Review status: criteria provided, single submitter (1 of 4 stars). 2 submissions from 2 submitters: Uncertain significance (1). 1 of the submissions does not count toward it. Last evaluated 2025-10-16.

Conditions:
Prostate cancer, hereditary, 1 (HPC1). Identifiers: Orphanet 1331, MedGen C4722327, MONDO:0011098, OMIM 601518.
Cardiovascular phenotype. Identifiers: MedGen CN230736.

Submissions (2):

Ambry Genetics
Classification: Uncertain significance for Cardiovascular phenotype. Last evaluated: 2025-10-16. Review status: criteria provided, single submitter. Criteria: Ambry Variant Classification Scheme 2023. Collection method: clinical testing. Allele origin: germline.
Comment: The c.1388T>C (p.I463T) alteration is located in exon 11 (coding exon 11) of the BRAF gene. This alteration results from a T to C substitution at nucleotide position 1388, causing the isoleucine (I) at amino acid position 463 to be replaced by a threonine (T). This variant was not reported in population-based cohorts in the Genome Aggregation Database (gnomAD). This amino acid position is highly conserved in available vertebrate species. This missense alteration is located in a region that has a low rate of benign missense variation (Lek, 2016; Firth, 2009). This alteration is predicted to be deleterious by in silico analysis. Based on insufficient or conflicting evidence, the clinical significance of this alteration remains unclear.

Laboratory of Virology, Oncology, Biosciences and Environment, Faculty of Sciences and Techniques, Mohammedia- University Hassan II of Casablanca
Classification: Uncertain significance for Prostate cancer, hereditary, 1. Last evaluated: 2022-07-29. Review status: no assertion criteria provided. Collection method: clinical testing. Allele origin: germline. Affected: yes. Not counted in ClinVar's aggregate classification.

NM_004333.6(BRAF):c.1388T>C (p.Ile463Thr)

Gene: BRAF (B-Raf proto-oncogene, serine/threonine kinase; minus strand). Cytogenetic location: 7q34.
Variant type: single nucleotide variant.
Coding change: c.1388T>C on transcript NM_004333.6 (MANE Select); coding-DNA position 1388, T replaced by C.
Protein change: p.Ile463Thr; replaces isoleucine 463 with threonine.
Molecular consequence: missense variant.
Genome position (GRCh38, 1-based): chr7:140,781,620, A>G on the plus strand (T>C on the coding strand, the complement: BRAF is on the minus strand). VCF-style: chr7-140781620-A-G. GRCh37 (hg19) VCF-style: chr7-140481420-A-G.
Other names: c.1388T>C, p.Ile463Thr (NM_001354609.2, NM_001378468.1, NM_001378474.1); c.1508T>C, p.Ile503Thr (NM_001374244.1, NM_001374258.1); c.1397T>C, p.Ile466Thr (NM_001378467.1); c.1322T>C, p.Ile441Thr (NM_001378469.1); c.1286T>C, p.Ile429Thr (NM_001378470.1); c.1277T>C, p.Ile426Thr (NM_001378471.1); c.1232T>C, p.Ile411Thr (NM_001378472.1, NM_001378473.1); c.1124T>C, p.Ile375Thr (NM_001378475.1); short protein forms I375T, I411T, I426T, I429T, I441T, I463T, I466T, I503T.
Identifiers: ClinVar variation 1711059 (VCV001711059.4), dbSNP rs180177033, ClinGen allele CA369588899.